The following is an entry in ClinVar:

ClinVar aggregate classification (germline): Uncertain significance (1 of 4 stars; one submission).

Conditions:
Cardiovascular phenotype. Identifiers: MedGen CN230736.

gnomAD v4.1: 19 of 1,613,400 alleles (0.0012%); highest among the groups gnomAD compares: Non-Finnish European, 0.0016%; no homozygotes.

Submission:

Ambry Genetics
Classification: Uncertain significance for Cardiovascular phenotype. Last evaluated: 2024-10-15. Review status: criteria provided, single submitter. Criteria: Ambry Variant Classification Scheme 2023. Collection method: clinical testing. Allele origin: germline.
Comment: The p.F173L variant (also known as c.519T>A), located in coding exon 4 of the GATAD1 gene, results from a T to A substitution at nucleotide position 519. The phenylalanine at codon 173 is replaced by leucine, an amino acid with highly similar properties. This amino acid position is conserved. In addition, this alteration is predicted to be deleterious by in silico analysis. Based on the available evidence, the clinical significance of this variant remains unclear.

NM_021167.5(GATAD1):c.519T>A (p.Phe173Leu)

Gene: GATAD1 (GATA zinc finger domain containing 1; plus strand). Cytogenetic location: 7q21.2.
Variant type: single nucleotide variant.
Coding change: c.519T>A on transcript NM_021167.5 (MANE Select); coding-DNA position 519, T replaced by A.
Protein change: p.Phe173Leu; replaces phenylalanine 173 with leucine.
Molecular consequence: missense variant. On other transcripts: non-coding transcript variant (1).
Genome position (GRCh38, 1-based): chr7:92,454,585, T>A. VCF-style: chr7-92454585-T-A. GRCh37 (hg19) VCF-style: chr7-92083899-T-A.
Other names: short protein forms F173L.
Identifiers: ClinVar variation 3519082 (VCV003519082.1).